The following is an entry in ClinVar:

ClinVar aggregate classification (germline): Benign/Likely benign. Review status: criteria provided, multiple submitters, no conflicts (2 of 4 stars). 5 submissions from 5 submitters: Benign (1); Likely benign (3). 1 of the submissions does not count toward it. Last evaluated 2025-12-03.

Conditions:
Hereditary cancer-predisposing syndrome. Also called: Neoplastic Syndromes, Hereditary; Tumor predisposition; Hereditary Cancer Syndrome; Hereditary neoplastic syndrome. Identifiers: Orphanet 140162, MedGen C0027672, MeSH D009386, MONDO:0015356.
Familial cancer of breast. Also called: BREAST CANCER, FAMILIAL; Hereditary breast cancer; hereditary breast carcinoma. Identifiers: Orphanet 227535, MedGen C0346153, MONDO:0016419, OMIM 114480. Disease mechanism: loss of function.
PALB2-related disorder. Also called: PALB2-related condition; PALB2-related disorders.

Allele frequency attached by ClinVar (database versions not stated): gnomAD exomes below 0.00001; TOPMed below 0.00001; gnomAD 0.00001.
gnomAD v4.1: 2 of 1,613,070 alleles (0.00012%); highest among the groups gnomAD compares: Admixed American, 0.0017%; no homozygotes.

Submissions (5):

Labcorp Genetics (formerly Invitae), Labcorp
Classification: Likely benign for Familial cancer of breast. Last evaluated: 2025-12-03. Review status: criteria provided, single submitter. Criteria: Invitae Variant Classification Sherloc (09022015). Collection method: clinical testing. Allele origin: germline.

Myriad Genetics, Inc.
Classification: Benign for Familial cancer of breast. Last evaluated: 2025-01-10. Review status: criteria provided, single submitter. Criteria: Myriad Autosomal Dominant, Autosomal Recessive and X-Linked Classification Criteria (2023). Collection method: clinical testing. Allele origin: unknown.
Comment: This variant is considered benign. This variant is a silent/synonymous amino acid change and it is not expected to impact splicing.

Color Diagnostics, LLC DBA Color Health
Classification: Likely benign for Hereditary cancer-predisposing syndrome. Last evaluated: 2017-11-06. Review status: criteria provided, single submitter. Criteria: ACMG Guidelines, 2015. Collection method: clinical testing. Allele origin: germline.

Ambry Genetics
Classification: Likely benign for Hereditary cancer-predisposing syndrome. Last evaluated: 2015-11-19. Review status: criteria provided, single submitter. Criteria: Ambry Variant Classification Scheme 2023. Collection method: clinical testing. Allele origin: germline.

PreventionGenetics, part of Exact Sciences
Classification: Likely benign for PALB2-related condition. Last evaluated: 2022-01-18. Review status: no assertion criteria provided. Collection method: clinical testing. Allele origin: germline. Not counted in ClinVar's aggregate classification.
Comment: This variant is classified as likely benign based on ACMG/AMP sequence variant interpretation guidelines (Richards et al. 2015 PMID: 25741868, with internal and published modifications).

NM_024675.4(PALB2):c.336C>T (p.Gly112=)

Gene: PALB2 (partner and localizer of BRCA2; minus strand). Cytogenetic location: 16p12.2.
Variant type: single nucleotide variant.
Coding change: c.336C>T on transcript NM_024675.4 (MANE Select); coding-DNA position 336, C replaced by T.
Protein change: p.Gly112=; no amino-acid change (glycine 112 retained).
Molecular consequence: synonymous variant.
Genome position (GRCh38, 1-based): chr16:23,636,210, G>A on the plus strand (C>T on the coding strand, the complement: PALB2 is on the minus strand). VCF-style: chr16-23636210-G-A. GRCh37 (hg19) VCF-style: chr16-23647531-G-A.
Identifiers: ClinVar variation 484167 (VCV000484167.22), dbSNP rs1293127133, ClinGen allele CA494462285.
Genomic context (GRCh38, chr16:23,636,210, plus strand): 5'-GACCCTGTGGGGAAAATGTTCTTGGGTGTCATCTGTTCTTTGTATAGGTAATCCTCCTGG[G>A]CCATCTCCAGGGTTAAAGGACTCAGGCCCAACATCAAGTGTGATAGATGTCTTTTCTCCA-3'
Protein context (NP_078951.2, residues 102-122): VGPESFNPGD[Gly112=]PGGLPIQRTD